The following is an entry in ClinVar:

ClinVar aggregate classification (germline): Uncertain significance (1 of 4 stars; one submission).

Conditions:
Developmental and epileptic encephalopathy, 1 (DEE1). Also called: INFANTILE SPASM SYNDROME, X-LINKED 1; OHTAHARA SYNDROME, X-LINKED; X-linked infantile spasms; West's syndrome; Tonic spasms with clustering, arrest of psychomotor development and hypsarrhythmia on EEG; X-Linked Infantile Spasm Syndrome. Identifiers: MedGen C3463992, MONDO:0010632, OMIM 308350. Disease mechanism: loss of function.
Intellectual disability, X-linked, with or without seizures, ARX-related. Also called: MENTAL RETARDATION, X-LINKED 29; MENTAL RETARDATION, X-LINKED 32; MENTAL RETARDATION, X-LINKED 33; MENTAL RETARDATION, X-LINKED 38; MENTAL RETARDATION, X-LINKED 43; MENTAL RETARDATION, X-LINKED 76. Identifiers: Orphanet 777, MedGen C0796244, MONDO:0010317, OMIM 300419.

gnomAD v4.1: 1 of 931,517 alleles (0.00011%); highest among the groups gnomAD compares: East Asian, 0.0055%; no homozygotes.

Submission:

Labcorp Genetics (formerly Invitae), Labcorp
Classification: Uncertain significance for Developmental and epileptic encephalopathy, 1; Intellectual disability, X-linked, with or without seizures, ARX-related. Last evaluated: 2022-08-09. Review status: criteria provided, single submitter. Criteria: Invitae Variant Classification Sherloc (09022015). Collection method: clinical testing. Allele origin: germline.
Comment: In summary, the available evidence is currently insufficient to determine the role of this variant in disease. Therefore, it has been classified as a Variant of Uncertain Significance. Advanced modeling of protein sequence and biophysical properties (such as structural, functional, and spatial information, amino acid conservation, physicochemical variation, residue mobility, and thermodynamic stability) performed at Invitae indicates that this missense variant is expected to disrupt ARX protein function. ClinVar contains an entry for this variant (Variation ID: 1467116). This variant has not been reported in the literature in individuals affected with ARX-related conditions. The frequency data for this variant in the population databases is considered unreliable, as metrics indicate insufficient coverage at this position in the gnomAD database. This sequence change replaces proline, which is neutral and non-polar, with threonine, which is neutral and polar, at codon 181 of the ARX protein (p.Pro181Thr).

NM_139058.3(ARX):c.541C>A (p.Pro181Thr)

Gene: ARX (aristaless related homeobox; minus strand). Cytogenetic location: Xp21.3.
Variant type: single nucleotide variant.
Coding change: c.541C>A on transcript NM_139058.3 (MANE Select); coding-DNA position 541, C replaced by A.
Protein change: p.Pro181Thr; replaces proline 181 with threonine.
Molecular consequence: missense variant.
Genome position (GRCh38, 1-based): chrX:25,013,454, G>T on the plus strand (C>A on the coding strand, the complement: ARX is on the minus strand). VCF-style: chrX-25013454-G-T. GRCh37 (hg19) VCF-style: chrX-25031571-G-T.
Other names: short protein forms P181T.
Identifiers: ClinVar variation 1467116 (VCV001467116.8), dbSNP rs2147324074, ClinGen allele CA412612952.